The following is an entry in ClinVar:

ClinVar aggregate classification (germline): Likely benign (1 of 4 stars; one submission).

Conditions:
Dilated cardiomyopathy 1P (CMD1P). Identifiers: Orphanet 154, MedGen C1835928, MONDO:0012362, OMIM 609909.

Allele frequency attached by ClinVar (database versions not stated): gnomAD exomes 0.00136; gnomAD 0.01328 and 0.01430; 1000 Genomes Project 0.01438; TOPMed 0.01482; 1000 Genomes Project 30x 0.01515.
gnomAD v4.1: 3,162 of 946,380 alleles (0.33%); highest among the groups gnomAD compares: African/African-American, 4.5%; 90 homozygotes.

Submission:

Illumina Laboratory Services, Illumina
Classification: Likely benign for Dilated cardiomyopathy 1P. Last evaluated: 2018-01-12. Review status: criteria provided, single submitter. Criteria: ICSL Variant Classification Criteria 13 December 2019. Collection method: clinical testing. Allele origin: germline.
Comment: This variant was observed in the ICSL laboratory as part of a predisposition screen in an ostensibly healthy population. It had not been previously curated by ICSL or reported in the Human Gene Mutation Database (HGMD: prior to June 1st, 2018), and was therefore a candidate for classification through an automated scoring system. Utilizing variant allele frequency, disease prevalence and penetrance estimates, and inheritance mode, an automated score was calculated to assess if this variant is too frequent to cause the disease. Based on the score and internal cut-off values, a variant classified as likely benign is not then subjected to further curation. The score for this variant resulted in a classification of likely benign for this disease.

NM_002667.5(PLN):c.*89A>G

Genes: PLN (phospholamban; plus strand), CEP85L (centrosomal protein 85L; minus strand). Cytogenetic location: 6q22.31.
Variant type: single nucleotide variant.
Coding change: c.*89A>G on transcript NM_002667.5 (MANE Select); 89 bases downstream of the stop codon, A replaced by G.
Molecular consequence: 3 prime UTR variant. On other transcripts: intron variant (3).
Genome position (GRCh38, 1-based): chr6:118,559,169, A>G. VCF-style: chr6-118559169-A-G. GRCh37 (hg19) VCF-style: chr6-118880332-A-G.
Other names: c.1029+6360T>C (NM_001178035.2); c.1020+6360T>C (NM_001042475.3, NM_206921.3).
Identifiers: ClinVar variation 355137 (VCV000355137.5), dbSNP rs28763979, ClinGen allele CA10621299.